The following is an entry in ClinVar:

ClinVar aggregate classification (germline): Pathogenic (1 of 4 stars; one submission).

Conditions:
Cortical dysplasia-focal epilepsy syndrome (PTHSL1). Also called: Pitt-Hopkins-like syndrome 1. Identifiers: Orphanet 163681, Orphanet 221150, MedGen C2750246, MONDO:0012400, OMIM 610042.

Submission:

Labcorp Genetics (formerly Invitae), Labcorp
Classification: Pathogenic for Cortical dysplasia-focal epilepsy syndrome. Last evaluated: 2023-12-06. Review status: criteria provided, single submitter. Criteria: Invitae Variant Classification Sherloc (09022015). Collection method: clinical testing. Allele origin: germline.
Comment: This variant is a gross deletion of the genomic region encompassing exon(s) 3 of the CNTNAP2 gene. This deletion is out-of-frame, and is expected to create a premature termination codon and result in an absent or disrupted protein product. Loss-of-function variants in CNTNAP2 are known to be pathogenic (PMID: 19896112, 21827697, 25045150, 26843181, 27439707). A similar copy number variant has been observed in individual(s) with clinical features of Pitt-Hopkins-like syndrome (PMID: 25045150). It has also been observed to segregate with disease in related individuals. For these reasons, this variant has been classified as Pathogenic.

Literature cited by the submitters: PubMed 19896112; PubMed 21827697; PubMed 25045150; PubMed 26843181; PubMed 27439707.

NC_000007.13:g.(?_146536783)_(146537016_?)del

Gene: CNTNAP2 (contactin associated protein 2; plus strand). Cytogenetic location: 7q35.
Variant type: Deletion.
Identifiers: ClinVar variation 1421354 (VCV001421354.9).